The following is an entry in ClinVar:

ClinVar aggregate classification (germline): Uncertain significance. Review status: criteria provided, multiple submitters, no conflicts (2 of 4 stars). 2 submissions from 2 submitters: Uncertain significance (2). Last evaluated 2023-12-18.

Conditions:
Alstrom syndrome (ALMS). Identifiers: Orphanet 64, MedGen C0268425, MONDO:0008763, OMIM 203800.
Cardiovascular phenotype. Identifiers: MedGen CN230736.

Allele frequency attached by ClinVar (database versions not stated): gnomAD exomes below 0.00001.
gnomAD v4.1: 1 of 1,614,182 alleles (0.000062%); highest among the groups gnomAD compares: African/African-American, 0.0013%; no homozygotes.

Submissions (2):

Ambry Genetics
Classification: Uncertain significance for Cardiovascular phenotype. Last evaluated: 2023-12-18. Review status: criteria provided, single submitter. Criteria: Ambry Variant Classification Scheme 2023. Collection method: clinical testing. Allele origin: germline.
Comment: The p.V3108E variant (also known as c.9323T>A), located in coding exon 10 of the ALMS1 gene, results from a T to A substitution at nucleotide position 9323. The valine at codon 3108 is replaced by glutamic acid, an amino acid with dissimilar properties. This amino acid position is poorly conserved in available vertebrate species. In addition, this alteration is predicted to be tolerated by in silico analysis. Since supporting evidence is limited at this time, the clinical significance of this alteration remains unclear.

Labcorp Genetics (formerly Invitae), Labcorp
Classification: Uncertain significance for Alstrom syndrome. Last evaluated: 2021-12-22. Review status: criteria provided, single submitter. Criteria: Invitae Variant Classification Sherloc (09022015). Collection method: clinical testing. Allele origin: germline.
Comment: In summary, the available evidence is currently insufficient to determine the role of this variant in disease. Therefore, it has been classified as a Variant of Uncertain Significance. Experimental studies and prediction algorithms are not available or were not evaluated, and the functional significance of this variant is currently unknown. This variant has not been reported in the literature in individuals affected with ALMS1-related conditions. This variant is not present in population databases (gnomAD no frequency). This sequence change replaces valine, which is neutral and non-polar, with glutamic acid, which is acidic and polar, at codon 3108 of the ALMS1 protein (p.Val3108Glu).

NM_001378454.1(ALMS1):c.9320T>A (p.Val3107Glu)

Gene: ALMS1 (ALMS1 centrosome and basal body associated protein; plus strand). Cytogenetic location: 2p13.1.
Variant type: single nucleotide variant.
Coding change: c.9320T>A on transcript NM_001378454.1 (MANE Select); coding-DNA position 9320, T replaced by A.
Protein change: p.Val3107Glu; replaces valine 3107 with glutamic acid.
Molecular consequence: missense variant.
Genome position (GRCh38, 1-based): chr2:73,491,279, T>A. VCF-style: chr2-73491279-T-A. GRCh37 (hg19) VCF-style: chr2-73718406-T-A.
Other names: c.9323T>A, p.Val3108Glu (NM_015120.4); short protein forms V3108E, V3107E.
Identifiers: ClinVar variation 1955753 (VCV001955753.5), dbSNP rs2466220268, ClinGen allele CA347274084.